The following is an entry in ClinVar:

ClinVar aggregate classification (germline): Uncertain significance. Review status: criteria provided, single submitter (1 of 4 stars). 2 submissions from 2 submitters: Uncertain significance (1). 1 of the submissions does not count toward it. Last evaluated 2025-07-23.

Conditions:
NEB-related disorder. Also called: NEB-related condition; NEB-Related Disorders.

Submissions (2):

Women's Health and Genetics/Laboratory Corporation of America, LabCorp
Classification: Uncertain significance. Last evaluated: 2025-07-23. Review status: criteria provided, single submitter. Criteria: LabCorp Variant Classification Summary - May 2015. Collection method: clinical testing. Allele origin: germline.
Comment: Variant summary: NEB c.15880G>A (p.Asp5294Asn) results in a conservative amino acid change in the encoded protein sequence. Algorithms developed to predict the effect of missense changes on protein structure and function are either unavailable or do not agree on the potential impact of this missense change. The variant allele was found at a frequency of 2.4e-05 in 41384 control chromosomes. The available data on variant occurrences in the general population are insufficient to allow any conclusion about variant significance. To our knowledge, no occurrence of c.15880G>A in individuals affected with Nemaline Myopathy 2 and no experimental evidence demonstrating its impact on protein function have been reported. ClinVar contains an entry for this variant (Variation ID: 3349432). Based on the evidence outlined above, the variant was classified as uncertain significance.

PreventionGenetics, part of Exact Sciences
Classification: Uncertain significance for NEB-related condition. Last evaluated: 2024-09-03. Review status: no assertion criteria provided. Collection method: clinical testing. Allele origin: germline. Not counted in ClinVar's aggregate classification.
Comment: The NEB c.15880G>A variant is predicted to result in the amino acid substitution p.Asp5294Asn. To our knowledge, this variant has not been reported in the literature. This variant is reported in 0.021% of alleles in individuals of African descent in gnomAD. At this time, the clinical significance of this variant is uncertain due to the absence of conclusive functional and genetic evidence.

NM_001164508.2(NEB):c.15880G>A (p.Asp5294Asn)

Gene: NEB (nebulin; minus strand). Cytogenetic location: 2q23.3.
Variant type: single nucleotide variant.
Coding change: c.15880G>A on transcript NM_001164508.2 (MANE Select); coding-DNA position 15880, G replaced by A.
Protein change: p.Asp5294Asn; replaces aspartic acid 5294 with asparagine.
Molecular consequence: missense variant. On other transcripts: intron variant (1).
Genome position (GRCh38, 1-based): chr2:151,583,550, C>T on the plus strand (G>A on the coding strand, the complement: NEB is on the minus strand). VCF-style: chr2-151583550-C-T. GRCh37 (hg19) VCF-style: chr2-152440064-C-T.
Other names: c.15880G>A, p.Asp5294Asn (NM_001164507.2, NM_001271208.2); c.11602-7196G>A (NM_004543.5); short protein forms D5294N.
Identifiers: ClinVar variation 3349432 (VCV003349432.2).